The following is an entry in ClinVar:

ClinVar aggregate classification (germline): Uncertain significance (1 of 4 stars; one submission).

Conditions:
Bardet-Biedl syndrome (BBS). Identifiers: Orphanet 110, MedGen C0752166, MONDO:0015229.

Allele frequency attached by ClinVar (database versions not stated): ExAC 0.00001.
gnomAD v4.1: 1 of 1,614,150 alleles (0.000062%); highest among the groups gnomAD compares: Non-Finnish European, 0.000085%; no homozygotes.

Submission:

Labcorp Genetics (formerly Invitae), Labcorp
Classification: Uncertain significance for Bardet-Biedl syndrome. Last evaluated: 2024-12-16. Review status: criteria provided, single submitter. Criteria: Invitae Variant Classification Sherloc (09022015). Collection method: clinical testing. Allele origin: germline.
Comment: This sequence change replaces isoleucine, which is neutral and non-polar, with leucine, which is neutral and non-polar, at codon 129 of the TTC8 protein (p.Ile129Leu). This variant is present in population databases (rs766062841, gnomAD 0.0009%). This variant has not been reported in the literature in individuals affected with TTC8-related conditions. ClinVar contains an entry for this variant (Variation ID: 1487217). Invitae Evidence Modeling of protein sequence and biophysical properties (such as structural, functional, and spatial information, amino acid conservation, physicochemical variation, residue mobility, and thermodynamic stability) indicates that this missense variant is not expected to disrupt TTC8 protein function with a negative predictive value of 80%. In summary, the available evidence is currently insufficient to determine the role of this variant in disease. Therefore, it has been classified as a Variant of Uncertain Significance.

NM_144596.4(TTC8):c.415A>C (p.Ile139Leu)

Gene: TTC8 (tetratricopeptide repeat domain 8; plus strand). Cytogenetic location: 14q31.3.
Variant type: single nucleotide variant.
Coding change: c.415A>C on transcript NM_144596.4 (MANE Select); coding-DNA position 415, A replaced by C.
Protein change: p.Ile139Leu; replaces isoleucine 139 with leucine.
Molecular consequence: missense variant. On other transcripts: 5 prime UTR variant (2), non-coding transcript variant (1).
Genome position (GRCh38, 1-based): chr14:88,841,122, A>C. VCF-style: chr14-88841122-A-C. GRCh37 (hg19) VCF-style: chr14-89307466-A-C.
Other names: c.385A>C, p.Ile129Leu (NM_001288781.1, NM_001366535.2, NM_001366536.2 and 2 more transcripts); c.-178A>C (NM_001288782.1); c.-273A>C (NM_001288783.1); short protein forms I129L, I139L.
Identifiers: ClinVar variation 1487217 (VCV001487217.8), dbSNP rs766062841, ClinGen allele CA7302462.